The following is an entry in ClinVar:

NM_001371986.1(UNC80):c.2736C>A (p.Cys912Ter)

Gene: UNC80 (unc-80 homolog, NALCN channel complex subunit; plus strand). Cytogenetic location: 2q34.
Variant type: single nucleotide variant.
Coding change: c.2736C>A on transcript NM_001371986.1 (MANE Select); coding-DNA position 2736, C replaced by A.
Protein change: p.Cys912Ter; replaces cysteine 912 with a stop codon.
Molecular consequence: nonsense.
Genome position (GRCh38, 1-based): chr2:209,831,552, C>A. VCF-style: chr2-209831552-C-A. GRCh37 (hg19) VCF-style: chr2-210696276-C-A.
Other names: c.2736C>A, p.Cys912Ter (NM_032504.2); c.2721C>A, p.Cys907Ter (NM_182587.4); short protein forms C912*, C907*.
Identifiers: ClinVar variation 488771 (VCV000488771.2), dbSNP rs1271766753, ClinGen allele CA350411316.
Genomic context (GRCh38, chr2:209,831,552, plus strand): 5'-AGCCCAAAATGTGGAAGGCATTATCGTCAGCGCCATGTTTAAATCCCTCATCACACGCTG[C>A]GCTTCAACCACACATGAATTGCACAGCCCTGAGAATCTGGTGAGAAGCTCTCCTCTCTTC-3'

ClinVar aggregate classification (germline): Likely pathogenic (1 of 4 stars; one submission).

gnomAD v4.1: 1 of 1,550,112 alleles (0.000065%); highest among the groups gnomAD compares: Non-Finnish European, 0.000087%; no homozygotes.

Submission:

GeneDx
Classification: Likely pathogenic. Last evaluated: 2017-11-21. Review status: criteria provided, single submitter. Criteria: GeneDx Variant Classification (06012015). Collection method: clinical testing. Allele origin: germline. Affected: yes.
Comment: The C912X variant in the UNC80 gene has not been reported previously as a pathogenic variant nor as a benign variant, to our knowledge. This variant is predicted to cause loss of normal protein function either through protein truncation or nonsense-mediated mRNA decay. The C912X variant is not observed in large population cohorts (Lek et al., 2016). We interpret C912X as a likely pathogenic variant.